The following is an entry in ClinVar:

NM_182760.4(SUMF1):c.1046G>A (p.Arg349Gln)

Gene: SUMF1 (sulfatase modifying factor 1; minus strand). Cytogenetic location: 3p26.1.
Variant type: single nucleotide variant.
Coding change: c.1046G>A on transcript NM_182760.4 (MANE Select); coding-DNA position 1046, G replaced by A.
Protein change: p.Arg349Gln; replaces arginine 349 with glutamine.
Molecular consequence: missense variant.
Genome position (GRCh38, 1-based): chr3:4,362,223, C>T on the plus strand (G>A on the coding strand, the complement: SUMF1 is on the minus strand). VCF-style: chr3-4362223-C-T. GRCh37 (hg19) VCF-style: chr3-4403907-C-T.
Other names: c.971G>A, p.Arg324Gln (NM_001164674.2); c.986G>A, p.Arg329Gln (NM_001164675.2); c.1046G>A (NM_182760.3); short protein forms R349Q, R329Q, R324Q.
Identifiers: ClinVar variation 2667 (VCV000002667.16), dbSNP rs137852847, ClinGen allele CA115672.

ClinVar aggregate classification (germline): Pathogenic/Likely pathogenic. Review status: criteria provided, multiple submitters, no conflicts (2 of 4 stars). 6 submissions from 6 submitters: Pathogenic (1); Likely pathogenic (4). 1 of the submissions does not count toward it. Last evaluated 2025-09-23.

Conditions:
Multiple sulfatase deficiency (MSD). Also called: Mucosulfatidosis; Sulfatidosis, Juvenile, Austin Type; Multiple Sulfatase Deficiency Disease. Identifiers: Orphanet 585, MedGen C0268263, MONDO:0010088, OMIM 272200.

Allele frequency attached by ClinVar (database versions not stated): ExAC 0.00001; gnomAD 0.00001; gnomAD exomes below 0.00001.
gnomAD v4.1: 3 of 1,614,044 alleles (0.00019%); highest among the groups gnomAD compares: Admixed American, 0.0017%; no homozygotes.

Submissions (6):

Labcorp Genetics (formerly Invitae), Labcorp
Classification: Pathogenic for Multiple sulfatase deficiency. Last evaluated: 2025-09-23. Review status: criteria provided, single submitter. Criteria: Invitae Variant Classification Sherloc (09022015). Collection method: clinical testing. Allele origin: germline.
Comment: This sequence change replaces arginine, which is basic and polar, with glutamine, which is neutral and polar, at codon 349 of the SUMF1 protein (p.Arg349Gln). This variant is present in population databases (rs137852847, gnomAD 0.0009%). This missense change has been observed in individual(s) with multiple sulfatase deficiency (PMID: 12757705). ClinVar contains an entry for this variant (Variation ID: 2667). Invitae Evidence Modeling of protein sequence and biophysical properties (such as structural, functional, and spatial information, amino acid conservation, physicochemical variation, residue mobility, and thermodynamic stability) indicates that this missense variant is expected to disrupt SUMF1 protein function with a positive predictive value of 95%. This variant disrupts the p.Arg349 amino acid residue in SUMF1. Other variant(s) that disrupt this residue have been determined to be pathogenic (PMID: 12757706, 15146462, 25373814). This suggests that this residue is clinically significant, and that variants that disrupt this residue are likely to be disease-causing. For these reasons, this variant has been classified as Pathogenic.

Natera, Inc.
Classification: Likely pathogenic for Multiple sulfatase deficiency. Last evaluated: 2025-05-18. Review status: criteria provided, single submitter. Criteria: Natera Variant Classification Schema (03/2026). Collection method: clinical testing. Allele origin: germline.
Comment: The c.1046G>A variant in SUMF1 is a missense variant predicted to cause substitution of arginine to glutamine at amino acid 349. This variant is rare in the general population with a frequency below the threshold expected for the associated phenotype(s). This variant has been observed in one or more individuals affected with the associated recessive disease, as either homozygous or compound heterozygous with a second variant (PMID: 15146462). Functional studies show that this variant may disrupt protein function (PMID: 15146462). A different variant at the same position has been determined to be Pathogenic or Likely Pathogenic. Computational prediction algorithms indicate this variant is likely to affect gene or protein function. Given the available evidence, this variant is classified as Likely Pathogenic.

Fulgent Genetics
Classification: Likely pathogenic for Multiple sulfatase deficiency. Last evaluated: 2024-02-25. Review status: criteria provided, single submitter. Criteria: ACMG Guidelines, 2015. Collection method: clinical testing. Allele origin: germline.

GeneDx
Classification: Likely pathogenic. Last evaluated: 2022-05-02. Review status: criteria provided, single submitter. Criteria: GeneDx Variant Classification Process June 2021. Collection method: clinical testing. Allele origin: germline. Affected: yes.
Comment: Published functional studies demonstrate a damaging effect showing reduced activation of sulfatases ARSA, ARSC, and ARSE compared to wild type SUMF1 (Cosma et al., 2004); Identified in a patient with severe multiple sulphatase deficiency in published literature (Cosma et al., 2003); Not observed at significant frequency in large population cohorts (gnomAD); In silico analysis supports that this missense variant has a deleterious effect on protein structure/function; This variant is associated with the following publications: (PMID: 12757706, 24484558, 28452122, 31589614, 15146462, 12757705, 18157819, 29048999, 25373814)

Juno Genomics, Hangzhou Juno Genomics, Inc
Classification: Likely pathogenic for Multiple sulfatase deficiency. Review status: criteria provided, single submitter. Criteria: ACMG Guidelines, 2015. Collection method: clinical testing. Allele origin: germline.
Comment: Absent from controls (or at extremely low frequency if recessive) in Genome Aggregation Database.;Multiple lines of computational evidence support a deleterious effect on the gene or gene product.;Novel missense change at an amino acid residue where a different missense change determined to be pathogenic has been seen before.;Patient's phenotype or family history is highly specific for a disease with a single genetic etiology.

OMIM
Classification: Pathogenic for MULTIPLE SULFATASE DEFICIENCY. Last evaluated: 2003-05-16. Review status: no assertion criteria provided. Collection method: literature only. Allele origin: germline. Not counted in ClinVar's aggregate classification.

Literature cited by the submitters: PubMed 12757705 (cited by Labcorp Genetics (formerly Invitae), Labcorp and OMIM); PubMed 12757706 (cited by Labcorp Genetics (formerly Invitae), Labcorp and OMIM); PubMed 15146462 (cited by Labcorp Genetics (formerly Invitae), Labcorp and Natera, Inc.); PubMed 25373814 (cited by Labcorp Genetics (formerly Invitae), Labcorp).